The following is an entry in ClinVar:

ClinVar aggregate classification (germline): Uncertain significance. Review status: criteria provided, multiple submitters, no conflicts (2 of 4 stars). 5 submissions from 5 submitters: Uncertain significance (5). Last evaluated 2025-11-14.

Conditions:
COL9A1-related disorder. Also called: COL9A1-related condition; COL9A1-related disorders.

Allele frequency attached by ClinVar (database versions not stated): gnomAD 0.00001; gnomAD exomes 0.00001; TOPMed 0.00001; ExAC 0.00003.
gnomAD v4.1: 11 of 1,612,342 alleles (0.00068%); highest among the groups gnomAD compares: Admixed American, 0.0033%; no homozygotes.

Submissions (5):

PreventionGenetics, part of Exact Sciences
Classification: Uncertain significance for COL9A1-related condition. Last evaluated: 2025-11-14. Review status: criteria provided, single submitter. Criteria: ACMG Guidelines, 2015. Collection method: clinical testing. Allele origin: germline.
Comment: The COL9A1 c.971C>G variant is predicted to result in the amino acid substitution p.Ala324Gly. To our knowledge, this variant has not been reported in the literature. This variant is reported in 0.0057% of alleles in individuals of Latino descent in gnomAD. At this time, the clinical significance of this variant is uncertain due to the absence of conclusive functional and genetic evidence.

GeneDx
Classification: Uncertain significance. Last evaluated: 2023-11-06. Review status: criteria provided, single submitter. Criteria: GeneDx Variant Classification Process June 2021. Collection method: clinical testing. Allele origin: germline. Affected: yes.
Comment: Not observed at significant frequency in large population cohorts (gnomAD); In silico analysis supports that this missense variant does not alter protein structure/function; Has not been previously published as pathogenic or benign to our knowledge

Revvity Omics, Revvity
Classification: Uncertain significance. Last evaluated: 2021-08-05. Review status: criteria provided, single submitter. Criteria: ACMG Guidelines, 2015. Collection method: clinical testing. Allele origin: germline.

Labcorp Genetics (formerly Invitae), Labcorp
Classification: Uncertain significance. Last evaluated: 2020-10-10. Review status: criteria provided, single submitter. Criteria: Invitae Variant Classification Sherloc (09022015). Collection method: clinical testing. Allele origin: germline.
Comment: Advanced modeling of protein sequence and biophysical properties (such as structural, functional, and spatial information, amino acid conservation, physicochemical variation, residue mobility, and thermodynamic stability) performed at Invitae indicates that this missense variant is not expected to disrupt COL9A1 protein function. In summary, the available evidence is currently insufficient to determine the role of this variant in disease. Therefore, it has been classified as a Variant of Uncertain Significance. Algorithms developed to predict the effect of sequence changes on RNA splicing suggest that this variant may create or strengthen a splice site, but this prediction has not been confirmed by published transcriptional studies. This variant has not been reported in the literature in individuals with COL9A1-related conditions. ClinVar contains an entry for this variant (Variation ID: 502486). This variant is present in population databases (rs750301684, ExAC 0.01%). This sequence change replaces alanine with glycine at codon 324 of the COL9A1 protein (p.Ala324Gly). The alanine residue is highly conserved and there is a small physicochemical difference between alanine and glycine.

Eurofins Ntd Llc (ga)
Classification: Uncertain significance. Last evaluated: 2017-06-15. Review status: criteria provided, single submitter. Criteria: EGL Classification Definitions 2015. Collection method: clinical testing. Allele origin: germline. Observed: 1 variant allele, 1 heterozygote.

NM_001851.6(COL9A1):c.971C>G (p.Ala324Gly)

Gene: COL9A1 (collagen type IX alpha 1 chain; minus strand). Cytogenetic location: 6q13.
Variant type: single nucleotide variant.
Coding change: c.971C>G on transcript NM_001851.6 (MANE Select); coding-DNA position 971, C replaced by G.
Protein change: p.Ala324Gly; replaces alanine 324 with glycine.
Molecular consequence: missense variant. On other transcripts: non-coding transcript variant (1).
Genome position (GRCh38, 1-based): chr6:70,280,816, G>C on the plus strand (C>G on the coding strand, the complement: COL9A1 is on the minus strand). VCF-style: chr6-70280816-G-C. GRCh37 (hg19) VCF-style: chr6-70990519-G-C.
Other names: c.971C>G (NM_001851.4, NM_001851.5); c.242C>G, p.Ala81Gly (NM_001377289.1, NM_001377290.1, NM_078485.4); c.971C>G, p.Ala324Gly (NM_001377291.1); short protein forms A324G, A81G.
Identifiers: ClinVar variation 502486 (VCV000502486.16), dbSNP rs750301684, ClinGen allele CA3882545.